The following is an entry in ClinVar:

NM_006648.4(WNK2):c.5333C>G (p.Ala1778Gly)

Gene: WNK2 (WNK lysine deficient protein kinase 2; plus strand). Cytogenetic location: 9q22.31.
Variant type: single nucleotide variant.
Coding change: c.5333C>G on transcript NM_006648.4 (MANE Select); coding-DNA position 5333, C replaced by G.
Protein change: p.Ala1778Gly; replaces alanine 1778 with glycine.
Molecular consequence: missense variant.
Genome position (GRCh38, 1-based): chr9:93,292,798, C>G. VCF-style: chr9-93292798-C-G. GRCh37 (hg19) VCF-style: chr9-96055080-C-G.
Other names: c.5444C>G, p.Ala1815Gly (NM_001282394.3); short protein forms A1778G, A1815G.
Identifiers: ClinVar variation 4201858 (VCV004201858.1).

ClinVar aggregate classification (germline): Uncertain significance (1 of 4 stars; one submission).

Submission:

Ambry Genetics
Classification: Uncertain significance. Last evaluated: 2025-09-01. Review status: criteria provided, single submitter. Criteria: Ambry Variant Classification Scheme 2023. Collection method: clinical testing. Allele origin: germline.
Comment: The p.A1778G variant (also known as c.5333C>G), located in coding exon 22 of the WNK2 gene, results from a C to G substitution at nucleotide position 5333. The alanine at codon 1778 is replaced by glycine, an amino acid with similar properties. This amino acid position is conserved. In addition, this alteration is predicted to be tolerated by in silico analysis. Based on the available evidence, the clinical significance of this variant remains unclear.